The following is an entry in ClinVar:

ClinVar aggregate classification (germline): Benign. Review status: criteria provided, single submitter (1 of 4 stars). 4 submissions from 4 submitters: Benign (1). 3 of the submissions do not count toward it. Last evaluated 2019-08-12.

Conditions:
ANK2-related disorder. Also called: ANK2-related condition.
Cardiovascular phenotype. Identifiers: MedGen CN230736.

Allele frequency attached by ClinVar (database versions not stated): gnomAD exomes below 0.00001; ExAC 0.00001; TOPMed 0.00001.
gnomAD v4.1: 16 of 1,613,864 alleles (0.00099%); highest among the groups gnomAD compares: South Asian, 0.0022%; no homozygotes.

Submissions (4):

Ambry Genetics
Classification: Benign for Cardiovascular phenotype. Last evaluated: 2019-08-12. Review status: criteria provided, single submitter. Criteria: Ambry Variant Classification Scheme 2023. Collection method: clinical testing. Allele origin: germline.

PreventionGenetics, part of Exact Sciences
Classification: Likely benign for ANK2-related condition. Last evaluated: 2019-10-28. Review status: no assertion criteria provided. Collection method: clinical testing. Allele origin: germline. Not counted in ClinVar's aggregate classification.
Comment: This variant is classified as likely benign based on ACMG/AMP sequence variant interpretation guidelines (Richards et al. 2015 PMID: 25741868, with internal and published modifications).

Clinical Genetics, Academic Medical Center
Classification: Benign. Review status: no assertion criteria provided. Collection method: clinical testing. Allele origin: germline. Affected: yes. Study: VKGL Data-share Consensus. Not counted in ClinVar's aggregate classification.

Genome Diagnostics Laboratory, University Medical Center Utrecht
Classification: Likely benign. Review status: no assertion criteria provided. Collection method: clinical testing. Allele origin: germline. Affected: yes. Study: VKGL Data-share Consensus. Not counted in ClinVar's aggregate classification.

NM_001148.6(ANK2):c.5778G>A (p.Pro1926=)

Genes: ANK2 (ankyrin 2; plus strand), LOC126807136 (MED14-independent group 3 enhancer GRCh37_chr4:114274931-114276130; plus strand). Cytogenetic location: 4q26.
Variant type: single nucleotide variant.
Coding change: c.5778G>A on transcript NM_001148.6 (MANE Select); coding-DNA position 5778, G replaced by A.
Protein change: p.Pro1926=; no amino-acid change (proline 1926 retained).
Molecular consequence: synonymous variant. On other transcripts: intron variant (68).
Genome position (GRCh38, 1-based): chr4:113,354,396, G>A. VCF-style: chr4-113354396-G-A. GRCh37 (hg19) VCF-style: chr4-114275552-G-A.
Other names: c.5544G>A, p.Pro1848= (NM_001386142.1); c.2178G>A, p.Pro726= (NM_001386166.1); c.5919G>A, p.Pro1973= (NM_001386174.1); c.5895G>A, p.Pro1965= (NM_001386175.1); c.4411+4147G>A (NM_001386186.2, NM_001386148.2); c.4213+4147G>A (NM_001354269.3); c.4291+4147G>A (NM_001386187.2); c.4252+4147G>A (NM_001386147.1); and 35 more.
Identifiers: ClinVar variation 1284775 (VCV001284775.6), dbSNP rs754030532, ClinGen allele CA3051295.